The following is an entry in ClinVar:

NM_020738.4(KIDINS220):c.3294C>G (p.Pro1098=)

Gene: KIDINS220 (kinase D interacting substrate 220; minus strand). Cytogenetic location: 2p25.1.
Variant type: single nucleotide variant.
Coding change: c.3294C>G on transcript NM_020738.4 (MANE Select); coding-DNA position 3294, C replaced by G.
Protein change: p.Pro1098=; no amino-acid change (proline 1098 retained).
Molecular consequence: synonymous variant. On other transcripts: non-coding transcript variant (2).
Genome position (GRCh38, 1-based): chr2:8,750,232, G>C on the plus strand (C>G on the coding strand, the complement: KIDINS220 is on the minus strand). VCF-style: chr2-8750232-G-C. GRCh37 (hg19) VCF-style: chr2-8890362-G-C.
Other names: c.3297C>G, p.Pro1099= (NM_001348729.2, NM_001348731.2, NM_001348734.2 and 2 more transcripts); c.3294C>G, p.Pro1098= (NM_001348732.2, NM_001348735.2, NM_001348738.2 and 3 more transcripts); c.3168C>G, p.Pro1056= (NM_001348736.2).
Identifiers: ClinVar variation 3354044 (VCV003354044.1).

ClinVar aggregate classification (germline): Likely benign (0 of 4 stars; one submission).

Conditions:
KIDINS220-related disorder. Also called: KIDINS220-related condition.

Submission:

PreventionGenetics, part of Exact Sciences
Classification: Likely benign for KIDINS220-related condition. Last evaluated: 2022-08-02. Review status: no assertion criteria provided. Collection method: clinical testing. Allele origin: germline.
Comment: This variant is classified as likely benign based on ACMG/AMP sequence variant interpretation guidelines (Richards et al. 2015 PMID: 25741868, with internal and published modifications).